The following is an entry in ClinVar:

ClinVar aggregate classification (germline): Likely benign (1 of 4 stars; one submission).

gnomAD v4.1: 18 of 1,613,938 alleles (0.0011%); highest among the groups gnomAD compares: Non-Finnish European, 0.0015%; no homozygotes.

Submission:

CeGaT Center for Human Genetics Tuebingen
Classification: Likely benign. Last evaluated: 2025-10-01. Review status: criteria provided, single submitter. Criteria: CeGaT Center For Human Genetics Tuebingen Variant Classification Criteria Version 2. Collection method: clinical testing. Allele origin: germline. Affected: yes. Observed: 1 variant allele.
Comment: ZMYND8: BP4, BP7

NM_001281775.3(ZMYND8):c.2490T>G (p.Thr830=)

Gene: ZMYND8 (zinc finger MYND-type containing 8; minus strand). Cytogenetic location: 20q13.12.
Variant type: single nucleotide variant.
Coding change: c.2490T>G on transcript NM_001281775.3 (MANE Select); coding-DNA position 2490, T replaced by G.
Protein change: p.Thr830=; no amino-acid change (threonine 830 retained).
Molecular consequence: synonymous variant. On other transcripts: intron variant (2).
Genome position (GRCh38, 1-based): chr20:47,238,933, A>C on the plus strand (T>G on the coding strand, the complement: ZMYND8 is on the minus strand). VCF-style: chr20-47238933-A-C. GRCh37 (hg19) VCF-style: chr20-45867677-A-C.
Other names: c.2430T>G, p.Thr810= (NM_001281772.3, NM_001281773.3, NM_001281774.3 and 1 more transcripts); c.2415T>G, p.Thr805= (NM_001281777.3, NM_001281778.3, NM_001281782.3 and 1 more transcripts); c.1686T>G, p.Thr562= (NM_001281779.3, NM_001281780.3); c.2274T>G, p.Thr758= (NM_001281781.3, NM_001281784.3); c.2490T>G, p.Thr830= (NM_001281783.3, NM_012408.6, NM_183047.4); c.2511T>G, p.Thr837= (NM_001363714.1); c.2210-2417T>G (NM_001281771.3); c.2285-2417T>G (NM_001281776.3).
Identifiers: ClinVar variation 4534172 (VCV004534172.6).